The following is an entry in ClinVar:

NM_004667.6(HERC2):c.238G>A (p.Glu80Lys)

Gene: HERC2 (HECT and RLD domain containing E3 ubiquitin protein ligase 2; minus strand). Cytogenetic location: 15q13.1.
Variant type: single nucleotide variant.
Coding change: c.238G>A on transcript NM_004667.6 (MANE Select); coding-DNA position 238, G replaced by A.
Protein change: p.Glu80Lys; replaces glutamic acid 80 with lysine.
Molecular consequence: missense variant.
Genome position (GRCh38, 1-based): chr15:28,292,972, C>T on the plus strand (G>A on the coding strand, the complement: HERC2 is on the minus strand). VCF-style: chr15-28292972-C-T. GRCh37 (hg19) VCF-style: chr15-28538118-C-T.
Other names: c.238G>A (NM_004667.5); short protein forms E80K.
Identifiers: ClinVar variation 2554378 (VCV002554378.3), dbSNP rs151331392, ClinGen allele CA267910993.

ClinVar aggregate classification (germline): Uncertain significance. Review status: criteria provided, multiple submitters, no conflicts (2 of 4 stars). 2 submissions from 2 submitters: Uncertain significance (2). Last evaluated 2024-04-15.

Conditions:
Inborn genetic diseases. Identifiers: MedGen C0950123, MeSH D030342.

Allele frequency attached by ClinVar (database versions not stated): ExAC 0.00002; gnomAD exomes 0.00003; TOPMed 0.00003; gnomAD 0.00004; ESP Exome Variant Server 0.00015.

Submissions (2):

GeneDx
Classification: Uncertain significance. Last evaluated: 2024-04-15. Review status: criteria provided, single submitter. Criteria: GeneDx Variant Classification Process June 2021. Collection method: clinical testing. Allele origin: germline. Affected: yes.
Comment: Not observed at significant frequency in large population cohorts (gnomAD); In silico analysis indicates that this missense variant does not alter protein structure/function; Has not been previously published as pathogenic or benign to our knowledge

Ambry Genetics
Classification: Uncertain significance for Inborn genetic diseases. Last evaluated: 2023-05-31. Review status: criteria provided, single submitter. Criteria: Ambry Variant Classification Scheme 2023. Collection method: clinical testing. Allele origin: germline.